The following is an entry in ClinVar:

NM_000038.6(APC):c.730-3130C>A

Gene: APC (APC regulator of WNT signaling pathway; plus strand). Cytogenetic location: 5q22.2.
Variant type: single nucleotide variant.
Coding change: c.730-3130C>A on transcript NM_000038.6 (MANE Select); 3130 bases into the intron before coding-DNA position 730, C replaced by A.
Molecular consequence: intron variant.
Genome position (GRCh38, 1-based): chr5:112,798,149, C>A. VCF-style: chr5-112798149-C-A. GRCh37 (hg19) VCF-style: chr5-112133846-C-A.
Other names: c.730-3130C>A (NM_001354895.2, NM_001127510.3, NM_001354896.2 and 1 more transcripts); c.760-3130C>A (NM_001354897.2, NM_001354902.2); c.676-3130C>A (NM_001127511.3); c.655-3130C>A (NM_001354898.2, NM_001354904.2); c.-306-3130C>A (NM_001354906.2); c.646-3130C>A (NM_001354899.2); c.553-3130C>A (NM_001354900.2, NM_001354901.2, NM_001354905.2).
Identifiers: ClinVar variation 82499 (VCV000082499.2), dbSNP rs75948898, ClinGen allele CA013561.

ClinVar aggregate classification (germline): other (0 of 4 stars; one submission).

Conditions:
Familial colorectal cancer. Identifiers: MedGen CN280943, MONDO:0023113. Disease mechanism: loss of function.

Submission:

Systems Biology Platform Zhejiang California International NanoSystems Institute
Classification: other for Familial colorectal cancer. Review status: no assertion criteria provided. Collection method: not provided. Allele origin: unknown.
ClinVar note: Converted during submission from cancer to other.